The following is an entry in ClinVar:

NM_000038.6(APC):c.3821G>T (p.Cys1274Phe)

Gene: APC (APC regulator of Wnt signaling pathway; plus strand). Cytogenetic location: 5q22.2.
Variant type: single nucleotide variant.
Coding change: c.3821G>T on transcript NM_000038.6 (MANE Select); coding-DNA position 3821, G replaced by T.
Protein change: p.Cys1274Phe; replaces cysteine 1274 with phenylalanine.
Molecular consequence: missense variant.
Genome position (GRCh38, 1-based): chr5:112,839,415, G>T. VCF-style: chr5-112839415-G-T. GRCh37 (hg19) VCF-style: chr5-112175112-G-T.
Other names: c.3821G>T, p.Cys1274Phe (NM_001127510.3, NM_001354895.2); c.3767G>T, p.Cys1256Phe (NM_001127511.3); c.3875G>T, p.Cys1292Phe (NM_001354896.2); c.3851G>T, p.Cys1284Phe (NM_001354897.2); c.3746G>T, p.Cys1249Phe (NM_001354898.2); c.3737G>T, p.Cys1246Phe (NM_001354899.2); c.3698G>T, p.Cys1233Phe (NM_001354900.2); c.3644G>T, p.Cys1215Phe (NM_001354901.2); and 5 more; short protein forms C1114F, C1148F, C1173F, C1183F, C1215F, C1233F, C1246F, C1249F.
Identifiers: ClinVar variation 1052173 (VCV001052173.48), dbSNP rs1470915050, ClinGen allele CA16029716.

ClinVar aggregate classification (germline): Uncertain significance (1 of 4 stars; one submission).

Conditions:
Familial adenomatous polyposis 1 (FAP1). Also called: POLYPOSIS, ADENOMATOUS INTESTINAL; FAMILIAL ADENOMATOUS POLYPOSIS 1, ATTENUATED. Identifiers: MedGen C2713442, MONDO:0021056, OMIM 175100. Disease mechanism: loss of function.

Submission:

Labcorp Genetics (formerly Invitae), Labcorp
Classification: Uncertain significance for Familial adenomatous polyposis 1. Last evaluated: 2020-02-20. Review status: criteria provided, single submitter. Criteria: Invitae Variant Classification Sherloc (09022015). Collection method: clinical testing. Allele origin: germline.
Comment: This sequence change replaces cysteine with phenylalanine at codon 1274 of the APC protein (p.Cys1274Phe). The cysteine residue is highly conserved and there is a large physicochemical difference between cysteine and phenylalanine. This variant is not present in population databases (ExAC no frequency). This variant has not been reported in the literature in individuals with APC-related conditions. Algorithms developed to predict the effect of missense changes on protein structure and function are either unavailable or do not agree on the potential impact of this missense change (SIFT: "Deleterious"; PolyPhen-2: "Probably Damaging"; Align-GVGD: "Class C15"). In summary, the available evidence is currently insufficient to determine the role of this variant in disease. Therefore, it has been classified as a Variant of Uncertain Significance.